The following is an entry in ClinVar:

ClinVar aggregate classification (germline): Uncertain significance (1 of 4 stars; one submission).

gnomAD v4.1: 2 of 1,612,410 alleles (0.00012%); highest among the groups gnomAD compares: East Asian, 0.0022%; no homozygotes.

Submission:

Labcorp Genetics (formerly Invitae), Labcorp
Classification: Uncertain significance. Last evaluated: 2025-06-02. Review status: criteria provided, single submitter. Criteria: Invitae Variant Classification Sherloc (09022015). Collection method: clinical testing. Allele origin: germline.
Comment: This sequence change replaces valine, which is neutral and non-polar, with alanine, which is neutral and non-polar, at codon 685 of the TTC37 protein (p.Val685Ala). This variant is present in population databases (rs781381505, gnomAD 0.006%). This variant has not been reported in the literature in individuals affected with TTC37-related conditions. An algorithm developed to predict the effect of missense changes on protein structure and function outputs the following: PolyPhen-2: "Benign". The alanine amino acid residue is found in multiple mammalian species, which suggests that this missense change does not adversely affect protein function. In summary, the available evidence is currently insufficient to determine the role of this variant in disease. Therefore, it has been classified as a Variant of Uncertain Significance.

NM_014639.4(SKIC3):c.2054T>C (p.Val685Ala)

Gene: SKIC3 (SKI3 subunit of superkiller complex; minus strand). Cytogenetic location: 5q15.
Variant type: single nucleotide variant.
Coding change: c.2054T>C on transcript NM_014639.4 (MANE Select); coding-DNA position 2054, T replaced by C.
Protein change: p.Val685Ala; replaces valine 685 with alanine.
Molecular consequence: missense variant.
Genome position (GRCh38, 1-based): chr5:95,520,776, A>G on the plus strand (T>C on the coding strand, the complement: SKIC3 is on the minus strand). VCF-style: chr5-95520776-A-G. GRCh37 (hg19) VCF-style: chr5-94856480-A-G.
Other names: short protein forms V685A.
Identifiers: ClinVar variation 4695812 (VCV004695812.1).